The following is an entry in ClinVar:

NM_001605.3(AARS1):c.2608-6C>A

Gene: AARS1 (alanyl-tRNA synthetase 1; minus strand). Cytogenetic location: 16q22.1.
Variant type: single nucleotide variant.
Coding change: c.2608-6C>A on transcript NM_001605.3 (MANE Select); 6 bases into the intron before coding-DNA position 2608, C replaced by A.
Molecular consequence: intron variant.
Genome position (GRCh38, 1-based): chr16:70,253,387, G>T on the plus strand (C>A on the coding strand, the complement: AARS1 is on the minus strand). VCF-style: chr16-70253387-G-T. GRCh37 (hg19) VCF-style: chr16-70287290-G-T.
Identifiers: ClinVar variation 215498 (VCV000215498.40), dbSNP rs200965527, ClinGen allele CA339355.

ClinVar aggregate classification (germline): Benign/Likely benign. Review status: criteria provided, multiple submitters, no conflicts (2 of 4 stars). 5 submissions from 5 submitters: Benign (2); Likely benign (2). 1 of the submissions does not count toward it. Last evaluated 2025-12-26.

Conditions:
Inborn genetic diseases. Identifiers: MedGen C0950123, MeSH D030342.
Charcot-Marie-Tooth disease type 2. Also called: Charcot-Marie-Tooth type 2. Identifiers: Orphanet 64746, MedGen C0270914, MONDO:0018993.
AARS1-related disorder. Also called: AARS1-related condition.
Charcot-Marie-Tooth disease axonal type 2N (CMT2N). Also called: Charcot-Marie-Tooth Neuropathy Type 2N; CHARCOT-MARIE-TOOTH DISEASE, AXONAL, AUTOSOMAL DOMINANT, TYPE 2N; CHARCOT-MARIE-TOOTH NEUROPATHY, AXONAL, TYPE 2N. Identifiers: Orphanet 228174, MedGen C2750090, MONDO:0013212, OMIM 613287.

Allele frequency attached by ClinVar (database versions not stated): gnomAD exomes 0.00024; ExAC 0.00030; 1000 Genomes Project 0.00060; 1000 Genomes Project 30x 0.00062; gnomAD 0.00083 and 0.00088; TOPMed 0.00087; ESP Exome Variant Server 0.00146.
gnomAD v4.1: 217 of 1,606,528 alleles (0.014%); highest among the groups gnomAD compares: African/African-American, 0.26%; no homozygotes.

Submissions (6):

Labcorp Genetics (formerly Invitae), Labcorp
Classification: Benign for Charcot-Marie-Tooth disease type 2. Last evaluated: 2025-12-26. Review status: criteria provided, single submitter. Criteria: Invitae Variant Classification Sherloc (09022015). Collection method: clinical testing. Allele origin: germline.

CeGaT Center for Human Genetics Tuebingen
Classification: Likely benign. Last evaluated: 2024-05-01. Review status: criteria provided, single submitter. Criteria: CeGaT Center For Human Genetics Tuebingen Variant Classification Criteria Version 2. Collection method: clinical testing. Allele origin: germline. Affected: yes. Observed: 1 variant allele.
Comment: AARS1: BP4

Ambry Genetics
Classification: Likely benign for Inborn genetic diseases. Last evaluated: 2020-03-16. Review status: criteria provided, single submitter. Criteria: Ambry Variant Classification Scheme 2023. Collection method: clinical testing. Allele origin: germline.

Illumina Laboratory Services, Illumina
Classification: Benign for Charcot-Marie-Tooth disease axonal type 2N. Last evaluated: 2018-01-13. Review status: criteria provided, single submitter. Criteria: ICSL Variant Classification Criteria 13 December 2019. Collection method: clinical testing. Allele origin: germline.
Comment: This variant was observed in the ICSL laboratory as part of a predisposition screen in an ostensibly healthy population. It had not been previously curated by ICSL or reported in the Human Gene Mutation Database (HGMD: prior to June 1st, 2018), and was therefore a candidate for classification through an automated scoring system. Utilizing variant allele frequency, disease prevalence and penetrance estimates, and inheritance mode, an automated score was calculated to assess if this variant is too frequent to cause the disease. Based on the score and internal cut-off values, a variant classified as benign is not then subjected to further curation. The score for this variant resulted in a classification of benign for this disease.

PreventionGenetics, part of Exact Sciences
Classification: Likely benign for AARS1-related condition. Last evaluated: 2022-02-18. Review status: no assertion criteria provided. Collection method: clinical testing. Allele origin: germline. Not counted in ClinVar's aggregate classification.
Comment: This variant is classified as likely benign based on ACMG/AMP sequence variant interpretation guidelines (Richards et al. 2015 PMID: 25741868, with internal and published modifications).

Dr. Peter K. Rogan Lab, Western University
No classification provided (evidence only). Condition: Ovarian serous cystadenocarcinoma. Review status: no classification provided. Collection method: in vitro. Allele origin: not applicable. Functional consequence: retained intron. Not counted in ClinVar's aggregate classification.